The following is an entry in ClinVar:

NM_000168.6(GLI3):c.4624C>T (p.Arg1542Trp)

Gene: GLI3 (GLI family zinc finger 3; minus strand). Cytogenetic location: 7p14.1.
Variant type: single nucleotide variant.
Coding change: c.4624C>T on transcript NM_000168.6 (MANE Select); coding-DNA position 4624, C replaced by T.
Protein change: p.Arg1542Trp; replaces arginine 1542 with tryptophan.
Molecular consequence: missense variant.
Genome position (GRCh38, 1-based): chr7:41,964,449, G>A on the plus strand (C>T on the coding strand, the complement: GLI3 is on the minus strand). VCF-style: chr7-41964449-G-A. GRCh37 (hg19) VCF-style: chr7-42004047-G-A.
Other names: short protein forms R1542W.
Identifiers: ClinVar variation 3770387 (VCV003770387.13).

ClinVar aggregate classification (germline): Likely benign (1 of 4 stars; one submission).

gnomAD v4.1: 2 of 1,614,152 alleles (0.00012%); highest among the groups gnomAD compares: African/African-American, 0.0013%; no homozygotes.

Submission:

CeGaT Center for Human Genetics Tuebingen
Classification: Likely benign. Last evaluated: 2025-02-01. Review status: criteria provided, single submitter. Criteria: CeGaT Center For Human Genetics Tuebingen Variant Classification Criteria Version 2. Collection method: clinical testing. Allele origin: germline. Affected: yes. Observed: 1 variant allele.
Comment: GLI3: BP4